The following is an entry in ClinVar:

ClinVar aggregate classification (germline): Uncertain significance (1 of 4 stars; one submission).

Conditions:
Progressive sclerosing poliodystrophy (MTDPS4A). Also called: ALPERS PROGRESSIVE INFANTILE POLIODYSTROPHY; NEURONAL DEGENERATION OF CHILDHOOD WITH LIVER DISEASE, PROGRESSIVE; Mitochondrial DNA Depletion Syndrome 4A; Alpers Syndrome; ALPERS DIFFUSE DEGENERATION OF CEREBRAL GRAY MATTER WITH HEPATIC CIRRHOSIS; Alpers-Huttenlocher Syndrome. Identifiers: Orphanet 726, MedGen C0205710, MONDO:0008758, OMIM 203700.

Submission:

Labcorp Genetics (formerly Invitae), Labcorp
Classification: Uncertain significance for Progressive sclerosing poliodystrophy. Last evaluated: 2025-06-09. Review status: criteria provided, single submitter. Criteria: Invitae Variant Classification Sherloc (09022015). Collection method: clinical testing. Allele origin: germline.
Comment: This sequence change replaces leucine, which is neutral and non-polar, with proline, which is neutral and non-polar, at codon 392 of the POLG protein (p.Leu392Pro). This variant is not present in population databases (gnomAD no frequency). This variant has not been reported in the literature in individuals affected with POLG-related conditions. Invitae Evidence Modeling of protein sequence and biophysical properties (such as structural, functional, and spatial information, amino acid conservation, physicochemical variation, residue mobility, and thermodynamic stability) indicates that this missense variant is expected to disrupt POLG protein function with a positive predictive value of 95%. In summary, the available evidence is currently insufficient to determine the role of this variant in disease. Therefore, it has been classified as a Variant of Uncertain Significance.

NM_002693.3(POLG):c.1175T>C (p.Leu392Pro)

Gene: POLG (DNA polymerase gamma, catalytic subunit; minus strand). Cytogenetic location: 15q26.1.
Variant type: single nucleotide variant.
Coding change: c.1175T>C on transcript NM_002693.3 (MANE Select); coding-DNA position 1175, T replaced by C.
Protein change: p.Leu392Pro; replaces leucine 392 with proline.
Molecular consequence: missense variant.
Genome position (GRCh38, 1-based): chr15:89,328,531, A>G on the plus strand (T>C on the coding strand, the complement: POLG is on the minus strand). VCF-style: chr15-89328531-A-G. GRCh37 (hg19) VCF-style: chr15-89871762-A-G.
Other names: c.1175T>C, p.Leu392Pro (NM_001126131.2); short protein forms L392P.
Identifiers: ClinVar variation 4802419 (VCV004802419.1).